The following is an entry in ClinVar:

ClinVar aggregate classification (germline): Uncertain significance. Review status: criteria provided, multiple submitters, no conflicts (2 of 4 stars). 3 submissions from 3 submitters: Uncertain significance (2). 1 of the submissions does not count toward it. Last evaluated 2024-05-20.

Conditions:
Autosomal recessive limb-girdle muscular dystrophy type 2J (LGMDR10). Also called: Limb-girdle muscular dystrophy, type 2J; MUSCULAR DYSTROPHY, LIMB-GIRDLE, AUTOSOMAL RECESSIVE 10. Identifiers: Orphanet 140922, MedGen C1837342, MONDO:0012127, OMIM 608807.
Dilated cardiomyopathy 1G (CMD1G). Identifiers: Orphanet 154, MedGen C1858763, MONDO:0011400, OMIM 604145.

Allele frequency attached by ClinVar (database versions not stated): gnomAD 0.00001; gnomAD exomes 0.00002.
gnomAD v4.1: 12 of 1,613,954 alleles (0.00074%); highest among the groups gnomAD compares: East Asian, 0.027%; no homozygotes.

Submissions (3):

GeneDx
Classification: Uncertain significance. Last evaluated: 2024-05-20. Review status: criteria provided, single submitter. Criteria: GeneDx Variant Classification Process June 2021. Collection method: clinical testing. Allele origin: germline. Affected: yes.
Comment: Not observed at significant frequency in large population cohorts (gnomAD); Missense variant in a gene in which most reported pathogenic variants are truncating/loss of function; Functional studies showed a decrease in beta-gal activity, resulting in a 40% decrease on affinity of TTN to the the C-terminal region of alpha-actinin (PMID: 11846417); Reported in a patient with dilated cardiomyopathy (DCM) in published literature; however, TTN was the only gene evaluated (PMID: 11846417); This variant is associated with the following publications: (PMID: 11846417)

Labcorp Genetics (formerly Invitae), Labcorp
Classification: Uncertain significance for Dilated cardiomyopathy 1G; Autosomal recessive limb-girdle muscular dystrophy type 2J. Last evaluated: 2023-12-01. Review status: criteria provided, single submitter. Criteria: Invitae Variant Classification Sherloc (09022015). Collection method: clinical testing. Allele origin: germline.
Comment: This sequence change replaces alanine, which is neutral and non-polar, with valine, which is neutral and non-polar, at codon 743 of the TTN protein (p.Ala743Val). This variant is not present in population databases (gnomAD no frequency). This missense change has been observed in individual(s) with dilated cardiomyopathy (PMID: 11846417). ClinVar contains an entry for this variant (Variation ID: 12655). Algorithms developed to predict the effect of variants on protein structure and function are not available or were not evaluated for this variant. Experimental studies have shown that this missense change affects TTN function (PMID: 11846417). This variant is located in the Z band of TTN (PMID: 25589632). Non-truncating variants in this region may be clinically relevant, but have not been definitively shown to cause cardiomyopathy or neuromuscular disease (PMID: 27493940, 32778822). In summary, the available evidence is currently insufficient to determine the role of this variant in disease. Therefore, it has been classified as a Variant of Uncertain Significance.

OMIM
Classification: Pathogenic for CARDIOMYOPATHY, DILATED, 1G. Last evaluated: 2002-02-22. Review status: no assertion criteria provided. Collection method: literature only. Allele origin: germline. Not counted in ClinVar's aggregate classification.

Literature cited by the submitters: PubMed 11846417 (cited by Labcorp Genetics (formerly Invitae), Labcorp and OMIM); PubMed 25589632 (cited by Labcorp Genetics (formerly Invitae), Labcorp); PubMed 27493940 (cited by Labcorp Genetics (formerly Invitae), Labcorp); PubMed 32778822 (cited by Labcorp Genetics (formerly Invitae), Labcorp).

NM_001267550.2(TTN):c.2228C>T (p.Ala743Val)

Gene: TTN (titin; minus strand). Cytogenetic location: 2q31.2.
Variant type: single nucleotide variant.
Coding change: c.2228C>T on transcript NM_001267550.2 (MANE Select); coding-DNA position 2228, C replaced by T.
Protein change: p.Ala743Val; replaces alanine 743 with valine.
Molecular consequence: missense variant.
Genome position (GRCh38, 1-based): chr2:178,785,990, G>A on the plus strand (C>T on the coding strand, the complement: TTN is on the minus strand). VCF-style: chr2-178785990-G-A. GRCh37 (hg19) VCF-style: chr2-179650717-G-A.
Other names: c.2228C>T, p.Ala743Val (NM_001256850.1, NM_133378.4, NM_133379.5); c.2090C>T, p.Ala697Val (NM_003319.4, NM_133432.3, NM_133437.4); c.2228C>T (NM_001267550.1); short protein forms A743V, A697V.
Identifiers: ClinVar variation 12655 (VCV000012655.7), dbSNP rs267607157, ClinGen allele CA256505.
Genomic context (GRCh38, chr2:178,785,990, plus strand): 5'-GCTTTAGGGACAACGTGGGGTTCTGAGGCTGGACGTTGGGGAGGCTCAGCTACCTTTGCG[G>A]CGGAAATGCGTTCCTTATATCCGTACTCCAAAGTGGTCTGCTGAGCATAGGATTCTTCAA-3'
Protein context (NP_001254479.2, residues 733-753): LEYGYKERIS[Ala743Val]AKVAEPPQRP